The following is an entry in ClinVar:

NM_000141.5(FGFR2):c.1085-13A>T

Gene: FGFR2 (fibroblast growth factor receptor 2; minus strand). Cytogenetic location: 10q26.13.
Variant type: single nucleotide variant.
Coding change: c.1085-13A>T on transcript NM_000141.5 (MANE Select); 13 bases into the intron before coding-DNA position 1085, A replaced by T.
Molecular consequence: intron variant.
Genome position (GRCh38, 1-based): chr10:121,515,332, T>A on the plus strand (A>T on the coding strand, the complement: FGFR2 is on the minus strand). VCF-style: chr10-121515332-T-A. GRCh37 (hg19) VCF-style: chr10-123274846-T-A.
Other names: c.749-13A>T (NM_001144914.1); c.740-13A>T (NM_001144918.2, NM_001441091.1, NM_001441090.1 and 1 more transcripts); c.818-13A>T (NM_001441089.1, NM_023029.3, NM_001144915.2); c.821-13A>T (NM_001441088.1, NM_001144919.2); c.939+4647A>T (NM_001144917.2); c.1085-13A>T (NM_001320658.2); c.1088-13A>T (NM_001441087.1, NM_022970.4, NM_001144913.1); c.401-13A>T (NM_001320654.2).
Identifiers: ClinVar variation 299005 (VCV000299005.18), dbSNP rs41295573, ClinGen allele CA5720844.
Genomic context (GRCh38, chr10:121,515,332, plus strand): 5'-TCTCCAGGTAGTCTGGGGAAGCTGTAATCTCCTTTTCTCTTCCAGGCGCTAGATTGCAGA[T>A]CACAGGAGGAGGAACAGATAAGCAGGCCATAGAGTTAGCACACCAGACTGACGCATCATA-3'

ClinVar aggregate classification (germline): Benign/Likely benign. Review status: criteria provided, multiple submitters, no conflicts (2 of 4 stars). 9 submissions from 5 submitters: Benign (6); Likely benign (3). Last evaluated 2026-01-19.

Conditions:
FGFR2-related craniosynostosis. Identifiers: MedGen CN231480.
Craniosynostosis syndrome. Also called: Craniosynostosis. Identifiers: Orphanet 1531, MedGen C0010278, MeSH D003398, MONDO:0015469, HP:0001363.
Beare-Stevenson cutis gyrata syndrome (BSTVS). Identifiers: Orphanet 1555, MedGen C1852406, MONDO:0007412, OMIM 123790.
Crouzon syndrome. Also called: CRANIOFACIAL DYSOSTOSIS, TYPE I; Craniofacial dysostosis; Craniofacial dysostosis type 1; Crouzon craniofacial dysostosis; Crouzon disease. Identifiers: Orphanet 207, MedGen C0010273, MeSH D003394, MONDO:0007405, OMIM 123500, HP:0004439.
Isolated Coronal Synostosis. Identifiers: MedGen CN043619.
Saethre-Chotzen syndrome (SCS). Also called: ACROCEPHALY, SKULL ASYMMETRY, AND MILD SYNDACTYLY; ACS III; CHOTZEN SYNDROME. Identifiers: Orphanet 794, MedGen C0175699, MONDO:0007042, OMIM 101400.

Allele frequency attached by ClinVar (database versions not stated): gnomAD 0.00035 and 0.00024; TOPMed 0.00091; 1000 Genomes Project 0.00200; 1000 Genomes Project 30x 0.00203.
gnomAD v4.1: 350 of 1,613,472 alleles (0.022%); highest among the groups gnomAD compares: East Asian, 0.67%; 1 homozygote.

Submissions (9):

Labcorp Genetics (formerly Invitae), Labcorp
Classification: Benign for FGFR2-related craniosynostosis. Last evaluated: 2026-01-19. Review status: criteria provided, single submitter. Criteria: Invitae Variant Classification Sherloc (09022015). Collection method: clinical testing. Allele origin: germline.

Blueprint Genetics
Classification: Likely benign. Last evaluated: 2024-02-28. Review status: criteria provided, single submitter. Criteria: ACMG Guidelines, 2015. Collection method: clinical testing. Allele origin: germline.

GeneDx
Classification: Benign. Last evaluated: 2020-06-08. Review status: criteria provided, single submitter. Criteria: GeneDx Variant Classification Process June 2021. Collection method: clinical testing. Allele origin: germline. Affected: yes.

Illumina Laboratory Services, Illumina
Classification: Benign for Beare-Stevenson cutis gyrata syndrome. Last evaluated: 2018-01-12. Review status: criteria provided, single submitter. Criteria: ICSL Variant Classification Criteria 13 December 2019. Collection method: clinical testing. Allele origin: germline.
Comment: This variant was observed in the ICSL laboratory as part of a predisposition screen in an ostensibly healthy population. It had not been previously curated by ICSL or reported in the Human Gene Mutation Database (HGMD: prior to June 1st, 2018), and was therefore a candidate for classification through an automated scoring system. Utilizing variant allele frequency, disease prevalence and penetrance estimates, and inheritance mode, an automated score was calculated to assess if this variant is too frequent to cause the disease. Based on the score and internal cut-off values, a variant classified as benign is not then subjected to further curation. The score for this variant resulted in a classification of benign for this disease.

Illumina Laboratory Services, Illumina
Classification: Benign for Craniosynostosis. Last evaluated: 2018-01-12. Review status: criteria provided, single submitter. Criteria: ICSL Variant Classification Criteria 13 December 2019. Collection method: clinical testing. Allele origin: germline.
Comment: the same text as in the submission from Illumina Laboratory Services, Illumina above.

Illumina Laboratory Services, Illumina
Classification: Benign for Saethre-Chotzen syndrome. Last evaluated: 2018-01-12. Review status: criteria provided, single submitter. Criteria: ICSL Variant Classification Criteria 13 December 2019. Collection method: clinical testing. Allele origin: germline.
Comment: the same text as in the submission from Illumina Laboratory Services, Illumina above.

Illumina Laboratory Services, Illumina
Classification: Benign for Crouzon syndrome. Last evaluated: 2018-01-12. Review status: criteria provided, single submitter. Criteria: ICSL Variant Classification Criteria 13 December 2019. Collection method: clinical testing. Allele origin: germline.
Comment: the same text as in the submission from Illumina Laboratory Services, Illumina above.

Illumina Laboratory Services, Illumina
Classification: Likely benign for Isolated coronal synostosis. Last evaluated: 2018-01-12. Review status: criteria provided, single submitter. Criteria: ICSL Variant Classification Criteria 13 December 2019. Collection method: clinical testing. Allele origin: germline.
Comment: This variant was observed in the ICSL laboratory as part of a predisposition screen in an ostensibly healthy population. It had not been previously curated by ICSL or reported in the Human Gene Mutation Database (HGMD: prior to June 1st, 2018), and was therefore a candidate for classification through an automated scoring system. Utilizing variant allele frequency, disease prevalence and penetrance estimates, and inheritance mode, an automated score was calculated to assess if this variant is too frequent to cause the disease. Based on the score and internal cut-off values, a variant classified as likely benign is not then subjected to further curation. The score for this variant resulted in a classification of likely benign for this disease.

Breakthrough Genomics
Classification: Likely benign. Review status: criteria provided, single submitter. Criteria: ACMG Guidelines, 2015. Collection method: not provided. Allele origin: germline. Inheritance: Autosomal dominant inheritance. Affected: yes.